The following is an entry in ClinVar:

ClinVar aggregate classification (germline): Uncertain significance (1 of 4 stars; one submission).

Allele frequency attached by ClinVar (database versions not stated): gnomAD exomes 0.00002; TOPMed 0.00003; ExAC 0.00004.
gnomAD v4.1: 26 of 1,613,002 alleles (0.0016%); highest among the groups gnomAD compares: Middle Eastern, 0.033%; no homozygotes.

Submission:

Labcorp Genetics (formerly Invitae), Labcorp
Classification: Uncertain significance. Last evaluated: 2024-10-29. Review status: criteria provided, single submitter. Criteria: Invitae Variant Classification Sherloc (09022015). Collection method: clinical testing. Allele origin: germline.
Comment: This sequence change replaces arginine, which is basic and polar, with histidine, which is basic and polar, at codon 3952 of the HSPG2 protein (p.Arg3952His). The frequency data for this variant in the population databases is considered unreliable, as metrics indicate poor data quality at this position in the gnomAD database. This variant has not been reported in the literature in individuals affected with HSPG2-related conditions. ClinVar contains an entry for this variant (Variation ID: 2179006). An algorithm developed to predict the effect of missense changes on protein structure and function (PolyPhen-2) suggests that this variant¬†is likely to be tolerated. In summary, the available evidence is currently insufficient to determine the role of this variant in disease. Therefore, it has been classified as a Variant of Uncertain Significance.

NM_005529.7(HSPG2):c.11855G>A (p.Arg3952His)

Gene: HSPG2 (heparan sulfate proteoglycan 2; minus strand). Cytogenetic location: 1p36.12.
Variant type: single nucleotide variant.
Coding change: c.11855G>A on transcript NM_005529.7 (MANE Select); coding-DNA position 11855, G replaced by A.
Protein change: p.Arg3952His; replaces arginine 3952 with histidine.
Molecular consequence: missense variant.
Genome position (GRCh38, 1-based): chr1:21,829,520, C>T on the plus strand (G>A on the coding strand, the complement: HSPG2 is on the minus strand). VCF-style: chr1-21829520-C-T. GRCh37 (hg19) VCF-style: chr1-22156013-C-T.
Other names: c.11858G>A, p.Arg3953His (NM_001291860.2); short protein forms R3952H, R3953H.
Identifiers: ClinVar variation 2179006 (VCV002179006.3), dbSNP rs769541964, ClinGen allele CA669599.